The following is an entry in ClinVar:

ClinVar aggregate classification (germline): Likely benign (0 of 4 stars; one submission).

Conditions:
SEMA3G-related disorder. Also called: SEMA3G-related condition.

gnomAD v4.1: 4 of 1,612,154 alleles (0.00025%); highest among the groups gnomAD compares: South Asian, 0.0033%; no homozygotes.

Submission:

PreventionGenetics, part of Exact Sciences
Classification: Likely benign for SEMA3G-related condition. Last evaluated: 2021-09-14. Review status: no assertion criteria provided. Collection method: clinical testing. Allele origin: germline.
Comment: This variant is classified as likely benign based on ACMG/AMP sequence variant interpretation guidelines (Richards et al. 2015 PMID: 25741868, with internal and published modifications).

NM_020163.3(SEMA3G):c.1908G>C (p.Thr636=)

Gene: SEMA3G (semaphorin 3G; minus strand). Cytogenetic location: 3p21.1.
Variant type: single nucleotide variant.
Coding change: c.1908G>C on transcript NM_020163.3 (MANE Select); coding-DNA position 1908, G replaced by C.
Protein change: p.Thr636=; no amino-acid change (threonine 636 retained).
Molecular consequence: synonymous variant.
Genome position (GRCh38, 1-based): chr3:52,436,044, C>G on the plus strand (G>C on the coding strand, the complement: SEMA3G is on the minus strand). VCF-style: chr3-52436044-C-G. GRCh37 (hg19) VCF-style: chr3-52470060-C-G.
Identifiers: ClinVar variation 3355775 (VCV003355775.1).